The following is an entry in ClinVar:

ClinVar aggregate classification (germline): Uncertain significance (1 of 4 stars; one submission).

Conditions:
Cardiovascular phenotype. Identifiers: MedGen CN230736.

Submission:

Ambry Genetics
Classification: Uncertain significance for Cardiovascular phenotype. Last evaluated: 2024-08-03. Review status: criteria provided, single submitter. Criteria: Ambry Variant Classification Scheme 2023. Collection method: clinical testing. Allele origin: germline.
Comment: The p.S76A variant (also known as c.226T>G), located in coding exon 2 of the TBX20 gene, results from a T to G substitution at nucleotide position 226. The serine at codon 76 is replaced by alanine, an amino acid with similar properties. This amino acid position is conserved. In addition, this alteration is predicted to be tolerated by in silico analysis. Based on the available evidence, the clinical significance of this variant remains unclear.

NM_001077653.2(TBX20):c.226T>G (p.Ser76Ala)

Gene: TBX20 (T-box transcription factor 20; minus strand). Cytogenetic location: 7p14.2.
Variant type: single nucleotide variant.
Coding change: c.226T>G on transcript NM_001077653.2 (MANE Select); coding-DNA position 226, T replaced by G.
Protein change: p.Ser76Ala; replaces serine 76 with alanine.
Molecular consequence: missense variant.
Genome position (GRCh38, 1-based): chr7:35,250,105, A>C on the plus strand (T>G on the coding strand, the complement: TBX20 is on the minus strand). VCF-style: chr7-35250105-A-C. GRCh37 (hg19) VCF-style: chr7-35289717-A-C.
Other names: c.226T>G, p.Ser76Ala (NM_001166220.1); short protein forms S76A.
Identifiers: ClinVar variation 3453872 (VCV003453872.1).